The following is an entry in ClinVar:

NM_003280.3(TNNC1):c.210C>T (p.Gly70=)

Gene: TNNC1 (troponin C1, slow skeletal and cardiac type; minus strand). Cytogenetic location: 3p21.1.
Variant type: single nucleotide variant.
Coding change: c.210C>T on transcript NM_003280.3 (MANE Select); coding-DNA position 210, C replaced by T.
Protein change: p.Gly70=; no amino-acid change (glycine 70 retained).
Molecular consequence: synonymous variant.
Genome position (GRCh38, 1-based): chr3:52,451,851, G>A on the plus strand (C>T on the coding strand, the complement: TNNC1 is on the minus strand). VCF-style: chr3-52451851-G-A. GRCh37 (hg19) VCF-style: chr3-52485867-G-A.
Identifiers: ClinVar variation 44677 (VCV000044677.56), dbSNP rs141505676, ClinGen allele CA134843.

ClinVar aggregate classification (germline): Conflicting classifications of pathogenicity. Review status: criteria provided, conflicting classifications (1 of 4 stars). 12 submissions from 11 submitters: Uncertain significance (3); Benign (2); Likely benign (6). 1 of the submissions does not count toward it. Last evaluated 2026-01-26.

Conditions:
TNNC1-related disorder. Also called: TNNC1-related condition.
Cardiovascular phenotype. Identifiers: MedGen CN230736.
Dilated cardiomyopathy 1Z (CMD1Z). Identifiers: Orphanet 154, MedGen C2678475, MONDO:0012745, OMIM 611879.
Hypertrophic cardiomyopathy 13. Also called: TNNC1-Related Familial Hypertrophic Cardiomyopathy. Identifiers: MedGen C2750472, MONDO:0013195, OMIM 613243.
Cardiomyopathy (CMYO). Also called: Cardiomyopathies. Identifiers: Orphanet 167848, MedGen C0878544, MONDO:0004994, HP:0001638. Inheritance: Various modes of inheritance.

Allele frequency attached by ClinVar (database versions not stated): ExAC 0.00007; gnomAD 0.00010; ESP Exome Variant Server 0.00015; TOPMed 0.00015; gnomAD exomes 0.00020.
gnomAD v4.1: 311 of 1,613,860 alleles (0.019%); highest among the groups gnomAD compares: Non-Finnish European, 0.024%; no homozygotes.

Submissions (12):

Labcorp Genetics (formerly Invitae), Labcorp
Classification: Likely benign for Hypertrophic cardiomyopathy 13; Dilated cardiomyopathy 1Z. Last evaluated: 2026-01-26. Review status: criteria provided, single submitter. Criteria: Invitae Variant Classification Sherloc (09022015). Collection method: clinical testing. Allele origin: germline.

Women's Health and Genetics/Laboratory Corporation of America, LabCorp
Classification: Benign. Last evaluated: 2025-12-02. Review status: criteria provided, single submitter. Criteria: LabCorp Variant Classification Summary - May 2015. Collection method: clinical testing. Allele origin: germline.

PreventionGenetics, part of Exact Sciences
Classification: Likely benign for TNNC1-related condition. Last evaluated: 2025-04-16. Review status: criteria provided, single submitter. Criteria: ACMG Guidelines, 2015. Collection method: clinical testing. Allele origin: germline.
Comment: This variant is classified as likely benign based on ACMG/AMP sequence variant interpretation guidelines (Richards et al. 2015 PMID: 25741868, with internal and published modifications).

Blueprint Genetics
Classification: Likely benign. Last evaluated: 2024-09-23. Review status: criteria provided, single submitter. Criteria: ACMG Guidelines, 2015. Collection method: clinical testing. Allele origin: germline.

CeGaT Center for Human Genetics Tuebingen
Classification: Likely benign. Last evaluated: 2023-08-01. Review status: criteria provided, single submitter. Criteria: CeGaT Center For Human Genetics Tuebingen Variant Classification Criteria Version 2. Collection method: clinical testing. Allele origin: germline. Affected: yes. Observed: 1 variant allele.
Comment: TNNC1: BP4

CHEO Genetics Diagnostic Laboratory, Children's Hospital of Eastern Ontario
Classification: Uncertain significance for Cardiomyopathy. Last evaluated: 2019-09-27. Review status: criteria provided, single submitter. Criteria: ACMG Guidelines, 2015. Collection method: clinical testing. Allele origin: germline.

Illumina Laboratory Services, Illumina
Classification: Uncertain significance for Hypertrophic cardiomyopathy 13. Last evaluated: 2018-01-13. Review status: criteria provided, single submitter. Criteria: ICSL Variant Classification Criteria 13 December 2019. Collection method: clinical testing. Allele origin: germline.

Illumina Laboratory Services, Illumina
Classification: Uncertain significance for Dilated cardiomyopathy 1Z. Last evaluated: 2018-01-13. Review status: criteria provided, single submitter. Criteria: ICSL Variant Classification Criteria 13 December 2019. Collection method: clinical testing. Allele origin: germline.

Ambry Genetics
Classification: Likely benign for Cardiovascular phenotype. Last evaluated: 2017-06-29. Review status: criteria provided, single submitter. Criteria: Ambry Variant Classification Scheme 2023. Collection method: clinical testing. Allele origin: germline.

GeneDx
Classification: Benign. Last evaluated: 2015-03-03. Review status: criteria provided, single submitter. Criteria: GeneDx Variant Classification Process June 2021. Collection method: clinical testing. Allele origin: germline. Affected: yes.

Laboratory for Molecular Medicine, Mass General Brigham Personalized Medicine
Classification: Likely benign. Last evaluated: 2012-03-19. Review status: criteria provided, single submitter. Criteria: LMM Criteria. Collection method: clinical testing. Allele origin: germline. Observed: 2 variant alleles.
Comment: Gly70Gly in exon 4 of TNNC1: This variant is not expected to have clinical signi ficance because it does not alter an amino acid residue and is not located withi n the splice consensus sequence. It has been identified in 2/7020 European Ameri can chromosomes from a broad population by the NHLBI Exome Sequencing Project (dbSNP rs141505676). Gly70Gly in exon 4 of TNNC 1 (rs141505676; allele frequency = 2/7020) **

Department of Pathology and Laboratory Medicine, Sinai Health System
Classification: Uncertain significance. Review status: no assertion criteria provided. Collection method: clinical testing. Allele origin: unknown. Affected: yes. Study: The Canadian Open Genetics Repository (COGR). Not counted in ClinVar's aggregate classification.
Comment: The TNNC1 p.Gly70Gly variant was not identified in the literature nor was it identified in LOVD 3.0. The variant was identified in dbSNP (ID: rs141505676) and ClinVar (classified as uncertain significance by Illumina and Invitae and as likely benign by Laboratory for Molecular Medicine). The variant was identified in control databases in 32 of 282728 chromosomes at a frequency of 0.0001132 (Genome Aggregation Database March 6, 2019, v2.1.1). The variant was observed in the following populations: European (non-Finnish) in 30 of 129090 chromosomes (freq: 0.000232), Other in 1 of 7220 chromosomes (freq: 0.000139) and East Asian in 1 of 19952 chromosomes (freq: 0.00005), but was not observed in the African, Latino, Ashkenazi Jewish, European (Finnish), or South Asian populations. The p.Gly70Gly variant is not expected to have clinical significance because it does not result in a change of amino acid and is not located in a known consensus splice site. However, 4 of 4 in silico or computational prediction software programs (SpliceSiteFinder, MaxEntScan, NNSPLICE, GeneSplicer) predict a greater than 10% difference in splicing and the creation of a new 5' splice site. However, this has not been confirmed by RNA analysis and is not predictive enough to assume pathogenicity. In summary, based on the above information the clinical significance of this variant cannot be determined with certainty at this time. This variant is classified as a variant of uncertain significance.